The following is an entry in ClinVar:

NM_004304.5(ALK):c.2082T>C (p.His694=)

Gene: ALK (ALK receptor tyrosine kinase; minus strand). Cytogenetic location: 2p23.2.
Variant type: single nucleotide variant.
Coding change: c.2082T>C on transcript NM_004304.5 (MANE Select); coding-DNA position 2082, T replaced by C.
Protein change: p.His694=; no amino-acid change (histidine 694 retained).
Molecular consequence: synonymous variant.
Genome position (GRCh38, 1-based): chr2:29,251,227, A>G on the plus strand (T>C on the coding strand, the complement: ALK is on the minus strand). VCF-style: chr2-29251227-A-G. GRCh37 (hg19) VCF-style: chr2-29474093-A-G.
Identifiers: ClinVar variation 1115095 (VCV001115095.19), dbSNP rs746356545, ClinGen allele CA1594438.

ClinVar aggregate classification (germline): Likely benign. Review status: criteria provided, multiple submitters, no conflicts (2 of 4 stars). 3 submissions from 3 submitters: Likely benign (3). Last evaluated 2025-08-01.

Conditions:
Hereditary cancer-predisposing syndrome. Also called: Neoplastic Syndromes, Hereditary; Tumor predisposition; Hereditary neoplastic syndrome; Hereditary Cancer Syndrome. Identifiers: Orphanet 140162, MedGen C0027672, MeSH D009386, MONDO:0015356.
Neuroblastoma, susceptibility to, 3. Also called: ALK-Related Neuroblastic Tumor Susceptibility. Identifiers: Orphanet 635, MedGen C2751681, MONDO:0013083, OMIM 613014.

Allele frequency attached by ClinVar (database versions not stated): gnomAD exomes below 0.00001; TOPMed below 0.00001; ExAC 0.00001.
gnomAD v4.1: 6 of 1,614,052 alleles (0.00037%); highest among the groups gnomAD compares: Non-Finnish European, 0.00042%; no homozygotes.

Submissions (3):

CeGaT Center for Human Genetics Tuebingen
Classification: Likely benign. Last evaluated: 2025-08-01. Review status: criteria provided, single submitter. Criteria: CeGaT Center For Human Genetics Tuebingen Variant Classification Criteria Version 2. Collection method: clinical testing. Allele origin: germline. Affected: yes. Observed: 1 variant allele.
Comment: ALK: BP4, BP7

Labcorp Genetics (formerly Invitae), Labcorp
Classification: Likely benign for Neuroblastoma, susceptibility to, 3. Last evaluated: 2024-08-27. Review status: criteria provided, single submitter. Criteria: Invitae Variant Classification Sherloc (09022015). Collection method: clinical testing. Allele origin: germline.

Ambry Genetics
Classification: Likely benign for Hereditary cancer-predisposing syndrome. Last evaluated: 2022-04-09. Review status: criteria provided, single submitter. Criteria: Ambry Variant Classification Scheme 2023. Collection method: clinical testing. Allele origin: germline.